The following is an entry in ClinVar:

ClinVar aggregate classification (germline): Uncertain significance (1 of 4 stars; one submission).

Conditions:
Inborn genetic diseases. Identifiers: MedGen C0950123, MeSH D030342.

Submission:

Ambry Genetics
Classification: Uncertain significance for Inborn genetic diseases. Last evaluated: 2022-08-30. Review status: criteria provided, single submitter. Criteria: Ambry Variant Classification Scheme 2023. Collection method: clinical testing. Allele origin: germline.
Comment: The p.V1920A variant (also known as c.5759T>C), located in coding exon 34 of the ATR gene, results from a T to C substitution at nucleotide position 5759. The valine at codon 1920 is replaced by alanine, an amino acid with similar properties. This amino acid position is conserved. In addition, the in silico prediction for this alteration is inconclusive. Since supporting evidence is limited at this time, the clinical significance of this alteration remains unclear.

NM_001184.4(ATR):c.5759T>C (p.Val1920Ala)

Gene: ATR (ATR checkpoint kinase; minus strand). Cytogenetic location: 3q23.
Variant type: single nucleotide variant.
Coding change: c.5759T>C on transcript NM_001184.4 (MANE Select); coding-DNA position 5759, T replaced by C.
Protein change: p.Val1920Ala; replaces valine 1920 with alanine.
Molecular consequence: missense variant.
Genome position (GRCh38, 1-based): chr3:142,496,500, A>G on the plus strand (T>C on the coding strand, the complement: ATR is on the minus strand). VCF-style: chr3-142496500-A-G. GRCh37 (hg19) VCF-style: chr3-142215342-A-G.
Other names: c.5567T>C, p.Val1856Ala (NM_001354579.2); short protein forms V1920A, V1856A.
Identifiers: ClinVar variation 1749459 (VCV001749459.2), dbSNP rs2473155283, ClinGen allele CA354813928.